The following is an entry in ClinVar:

NM_000260.4(MYO7A):c.1945C>T (p.Arg649Trp)

Gene: MYO7A (myosin VIIA; plus strand). Cytogenetic location: 11q13.5.
Variant type: single nucleotide variant.
Coding change: c.1945C>T on transcript NM_000260.4 (MANE Select); coding-DNA position 1945, C replaced by T.
Protein change: p.Arg649Trp; replaces arginine 649 with tryptophan.
Molecular consequence: missense variant.
Genome position (GRCh38, 1-based): chr11:77,174,765, C>T. VCF-style: chr11-77174765-C-T. GRCh37 (hg19) VCF-style: chr11-76885811-C-T.
Other names: c.1945C>T, p.Arg649Trp (NM_001127180.2); c.1912C>T, p.Arg638Trp (NM_001369365.1); short protein forms R649W, R638W.
Identifiers: ClinVar variation 229000 (VCV000229000.21), dbSNP rs782503314, ClinGen allele CA6197652.

ClinVar aggregate classification (germline): Uncertain significance. Review status: criteria provided, multiple submitters, no conflicts (2 of 4 stars). 10 submissions from 8 submitters: Uncertain significance (8). 2 of the submissions do not count toward it. Last evaluated 2025-10-15.

Conditions:
Autosomal recessive nonsyndromic hearing loss 2. Also called: NEUROSENSORY NONSYNDROMIC RECESSIVE DEAFNESS 2; DEAFNESS, AUTOSOMAL RECESSIVE 2. Identifiers: Orphanet 90636, MedGen C1838701, MONDO:0010807, OMIM 600060.
Usher syndrome type 1 (USH1). Also called: RETINITIS PIGMENTOSA AND CONGENITAL DEAFNESS. Identifiers: Orphanet 231169, Orphanet 886, MedGen C1568247, MONDO:0010168, OMIM 276900.
Autosomal dominant nonsyndromic hearing loss 11. Identifiers: Orphanet 90635, MedGen C1832475, MONDO:0011032, OMIM 601317.
Usher syndrome type 1B (USH1B). Also called: Usher syndrome type IB. Identifiers: MedGen C1848638, MONDO:0700087.

Allele frequency attached by ClinVar (database versions not stated): gnomAD exomes 0.00001 and 0.00002; TOPMed 0.00001; ExAC 0.00004.
gnomAD v4.1: 31 of 1,593,306 alleles (0.0019%); highest among the groups gnomAD compares: East Asian, 0.0068%; no homozygotes.

Submissions (10):

Women's Health and Genetics/Laboratory Corporation of America, LabCorp
Classification: Uncertain significance. Last evaluated: 2025-10-15. Review status: criteria provided, single submitter. Criteria: LabCorp Variant Classification Summary - May 2015. Collection method: clinical testing. Allele origin: germline.
Comment: Variant summary: MYO7A c.1945C>T (p.Arg649Trp) results in a non-conservative amino acid change in the encoded protein sequence. Algorithms developed to predict the effect of missense changes on protein structure and function all suggest that this variant is likely to be disruptive. The variant allele was found at a frequency of 1.4e-05 in 215890 control chromosomes. The available data on variant occurrences in the general population are insufficient to allow any conclusion about variant significance. c.1945C>T has been observed in the compound heterozygous state in an individual affected with Usher Syndrome (Guan_2021). These data do not allow any conclusion about variant significance. To our knowledge, no experimental evidence demonstrating an impact on protein function has been reported. The following publication have been ascertained in the context of this evaluation (PMID: 34416374). ClinVar contains an entry for this variant (Variation ID: 229000). Based on the evidence outlined above, the variant was classified as uncertain significance.

Labcorp Genetics (formerly Invitae), Labcorp
Classification: Uncertain significance. Last evaluated: 2025-08-05. Review status: criteria provided, single submitter. Criteria: Invitae Variant Classification Sherloc (09022015). Collection method: clinical testing. Allele origin: germline.
Comment: This sequence change replaces arginine, which is basic and polar, with tryptophan, which is neutral and slightly polar, at codon 649 of the MYO7A protein (p.Arg649Trp). The frequency data for this variant in the population databases is considered unreliable, as metrics indicate poor data quality at this position in the gnomAD database. This missense change has been observed in individual(s) with autosomal recessive deafness (PMID: 34416374). ClinVar contains an entry for this variant (Variation ID: 229000). Invitae Evidence Modeling of protein sequence and biophysical properties (such as structural, functional, and spatial information, amino acid conservation, physicochemical variation, residue mobility, and thermodynamic stability) indicates that this missense variant is expected to disrupt MYO7A protein function with a positive predictive value of 95%. In summary, the available evidence is currently insufficient to determine the role of this variant in disease. Therefore, it has been classified as a Variant of Uncertain Significance.

GeneDx
Classification: Uncertain significance. Last evaluated: 2025-05-24. Review status: criteria provided, single submitter. Criteria: GeneDx Variant Classification Process June 2021. Collection method: clinical testing. Allele origin: germline. Affected: yes.
Comment: Observed with a second variant (phase unknown) in a patient with congenital hearing loss in published literature (PMID: 34416374); Reported in the heterozygous state in a patient with Usher syndrome in published literature; case-level information is limited (PMID: 16963483); In silico analysis supports that this missense variant has a deleterious effect on protein structure/function; This variant is associated with the following publications: (PMID: 34416374, 16963483)

Blueprint Genetics
Classification: Uncertain significance. Last evaluated: 2024-03-15. Review status: criteria provided, single submitter. Criteria: ACMG Guidelines, 2015. Collection method: clinical testing. Allele origin: germline.

Illumina Laboratory Services, Illumina
Classification: Uncertain significance for Autosomal recessive nonsyndromic hearing loss 2. Last evaluated: 2017-04-27. Review status: criteria provided, single submitter. Criteria: ICSL Variant Classification Criteria 13 December 2019. Collection method: clinical testing. Allele origin: germline.

Illumina Laboratory Services, Illumina
Classification: Uncertain significance for Autosomal dominant nonsyndromic hearing loss 11. Last evaluated: 2017-04-27. Review status: criteria provided, single submitter. Criteria: ICSL Variant Classification Criteria 13 December 2019. Collection method: clinical testing. Allele origin: germline.

Illumina Laboratory Services, Illumina
Classification: Uncertain significance for Usher syndrome type 1. Last evaluated: 2017-04-27. Review status: criteria provided, single submitter. Criteria: ICSL Variant Classification Criteria 13 December 2019. Collection method: clinical testing. Allele origin: germline.

Laboratory for Molecular Medicine, Mass General Brigham Personalized Medicine
Classification: Uncertain significance. Last evaluated: 2016-01-15. Review status: criteria provided, single submitter. Criteria: LMM Criteria. Collection method: clinical testing. Allele origin: germline. Observed: 1 variant allele.
Comment: The p.Arg649Trp variant in MYO7A has been reported in one paper without clinical information (Cremers 2007) and has been identified in 1/24258 European chromoso mes and 1/2556 East Asian chromosomes by the Exome Aggregation Consortium (ExAC). Although this variant has been seen in the gen eral population, its frequency is not high enough to rule out a pathogenic role. Computational prediction tools and conservation analyses suggest that the p.Arg 649Trp variant may impact the protein, though this information is not predictive enough to determine pathogenicity. In summary, the clinical significance of the p.Arg649Trp variant is uncertain.

Natera, Inc.
Classification: Uncertain significance for Usher syndrome type 1B. Last evaluated: 2020-07-22. Review status: no assertion criteria provided. Collection method: clinical testing. Allele origin: germline. Not counted in ClinVar's aggregate classification.

Counsyl
Classification: Uncertain significance for Usher syndrome type 1; Autosomal recessive nonsyndromic hearing loss 2. Last evaluated: 2017-04-25. Review status: no assertion criteria provided. Collection method: clinical testing. Allele origin: unknown. Not counted in ClinVar's aggregate classification.

Literature cited by the submitters: PubMed 34416374 (cited by Women's Health and Genetics/Laboratory Corporation of America, LabCorp and Labcorp Genetics (formerly Invitae), Labcorp); PubMed 16963483 (cited by Laboratory for Molecular Medicine, Mass General Brigham Personalized Medicine and Counsyl).